The following is an entry in ClinVar:

NM_198859.4(PRICKLE2):c.1499T>C (p.Val500Ala)

Gene: PRICKLE2 (prickle planar cell polarity protein 2; minus strand). Cytogenetic location: 3p14.1.
Variant type: single nucleotide variant.
Coding change: c.1499T>C on transcript NM_198859.4 (MANE Select); coding-DNA position 1499, T replaced by C.
Protein change: p.Val500Ala; replaces valine 500 with alanine.
Molecular consequence: missense variant.
Genome position (GRCh38, 1-based): chr3:64,146,991, A>G on the plus strand (T>C on the coding strand, the complement: PRICKLE2 is on the minus strand). VCF-style: chr3-64146991-A-G. GRCh37 (hg19) VCF-style: chr3-64132667-A-G.
Other names: c.1499T>C, p.Val500Ala (NM_001370528.1); short protein forms V500A.
Identifiers: ClinVar variation 4714895 (VCV004714895.1).

ClinVar aggregate classification (germline): Uncertain significance (1 of 4 stars; one submission).

Conditions:
Progressive myoclonic epilepsy type 5. Identifiers: Orphanet 402082, MedGen C5190799.

Submission:

Labcorp Genetics (formerly Invitae), Labcorp
Classification: Uncertain significance for Progressive myoclonic epilepsy type 5. Last evaluated: 2025-02-16. Review status: criteria provided, single submitter. Criteria: Invitae Variant Classification Sherloc (09022015). Collection method: clinical testing. Allele origin: germline.
Comment: This sequence change replaces valine, which is neutral and non-polar, with alanine, which is neutral and non-polar, at codon 500 of the PRICKLE2 protein (p.Val500Ala). This variant is not present in population databases (gnomAD no frequency). This variant has not been reported in the literature in individuals affected with PRICKLE2-related conditions. Invitae Evidence Modeling of protein sequence and biophysical properties (such as structural, functional, and spatial information, amino acid conservation, physicochemical variation, residue mobility, and thermodynamic stability) indicates that this missense variant is not expected to disrupt PRICKLE2 protein function with a negative predictive value of 80%. In summary, the available evidence is currently insufficient to determine the role of this variant in disease. Therefore, it has been classified as a Variant of Uncertain Significance.